The following is an entry in ClinVar:

ClinVar aggregate classification (germline): Pathogenic (1 of 4 stars; one submission).

Conditions:
Mucopolysaccharidosis, MPS-III-B (MPS3B). Also called: N-ACETYL-ALPHA-D-GLUCOSAMINIDASE DEFICIENCY; NAGLU DEFICIENCY; SANFILIPPO SYNDROME B; MPS III B; MUCOPOLYSACCHARIDOSIS, TYPE IIIB; Mucopolysaccharidosis type IIIB (Sanfilippo B). Identifiers: Orphanet 79270, MedGen C0086648, MONDO:0009656, OMIM 252920.

Submission:

Myriad Genetics, Inc.
Classification: Pathogenic for Mucopolysaccharidosis, MPS-III-B. Last evaluated: 2023-09-27. Review status: criteria provided, single submitter. Criteria: Myriad Autosomal Dominant, Autosomal Recessive and X-Linked Classification Criteria (2023). Collection method: clinical testing. Allele origin: unknown.
Comment: NM_000263.3(NAGLU):c.136dupG(A46Gfs*146) is expected to be pathogenic in the context of mucopolysaccharidosis type IIIB. This variant is predicted to lead to an abnormal or absent protein product due to the creation of a premature termination codon in NAGLU, a gene where loss-of-function variants are known to be pathogenic. Please note: this variant was assessed in the context of healthy population screening.

NM_000263.4(NAGLU):c.136dup (p.Ala46fs)

Genes: NAGLU (N-acetyl-alpha-glucosaminidase; plus strand), LOC130060903 (ATAC-STARR-seq lymphoblastoid silent region 8533; plus strand). Cytogenetic location: 17q21.2.
Variant type: Duplication.
Coding change: c.136dup on transcript NM_000263.4 (MANE Select); coding-DNA position 136, one base duplicated (G; older notation c.136dupG).
Protein change: p.Ala46fs; shifts the reading frame from alanine 46.
Molecular consequence: frameshift variant.
Genome position (GRCh38, 1-based): chr17:42,536,408, G duplicated; the last of 2 consecutive G bases (chr17:42,536,407-42,536,408); duplicating either gives the same sequence. VCF-style (leftmost placement, unchanged base first): chr17-42536406-C-CG. GRCh37 (hg19) VCF-style: chr17-40688424-C-CG.
Other names: short protein forms A46fs.
Identifiers: ClinVar variation 5011928 (VCV005011928.1).